The following is an entry in ClinVar:

ClinVar aggregate classification (germline): Conflicting classifications of pathogenicity. Review status: criteria provided, conflicting classifications (1 of 4 stars). 4 submissions from 4 submitters: Likely pathogenic (1); Uncertain significance (3). Last evaluated 2024-12-21.

Conditions:
Retinal dystrophy. Also called: Inherited retinal dystrophy. Identifiers: Orphanet 71862, MedGen C0854723, MeSH D058499, MONDO:0019118, HP:0000556.

Allele frequency attached by ClinVar (database versions not stated): gnomAD exomes 0.00002; TOPMed 0.00002; gnomAD 0.00003 and 0.00004.
gnomAD v4.1: 35 of 1,558,480 alleles (0.0022%); highest among the groups gnomAD compares: Middle Eastern, 0.017%; no homozygotes.

Submissions (4):

Labcorp Genetics (formerly Invitae), Labcorp
Classification: Uncertain significance. Last evaluated: 2024-12-21. Review status: criteria provided, single submitter. Criteria: Invitae Variant Classification Sherloc (09022015). Collection method: clinical testing. Allele origin: germline.
Comment: This sequence change affects an acceptor splice site in intron 26 of the CACNA2D4 gene. It is expected to disrupt RNA splicing. Variants that disrupt the donor or acceptor splice site typically lead to a loss of protein function (PMID: 16199547), however the current clinical and genetic evidence is not sufficient to establish whether loss-of-function variants in CACNA2D4 cause disease. This variant is present in population databases (no rsID available, gnomAD 0.009%). This variant has not been reported in the literature in individuals affected with CACNA2D4-related conditions. ClinVar contains an entry for this variant (Variation ID: 1039578). Algorithms developed to predict the effect of sequence changes on RNA splicing suggest that this variant may disrupt the consensus splice site. In summary, the available evidence is currently insufficient to determine the role of this variant in disease. Therefore, it has been classified as a Variant of Uncertain Significance.

CeGaT Center for Human Genetics Tuebingen
Classification: Uncertain significance. Last evaluated: 2023-07-01. Review status: criteria provided, single submitter. Criteria: CeGaT Center For Human Genetics Tuebingen Variant Classification Criteria Version 2. Collection method: clinical testing. Allele origin: germline. Affected: yes. Observed: 1 variant allele.
Comment: CACNA2D4: PM2

Institute of Human Genetics, Univ. Regensburg, Univ. Regensburg
Classification: Likely pathogenic for Retinal dystrophy. Last evaluated: 2022-01-01. Review status: criteria provided, single submitter. Criteria: ACMG Guidelines, 2015. Collection method: clinical testing. Allele origin: germline. Affected: yes.

Breakthrough Genomics
Classification: Uncertain significance. Review status: criteria provided, single submitter. Criteria: ACMG Guidelines, 2015. Collection method: not provided. Allele origin: germline. Inheritance: Autosomal recessive inheritance. Affected: yes.

Literature cited by the submitters: PubMed 16199547 (cited by Labcorp Genetics (formerly Invitae), Labcorp); PubMed 31964843 (cited by Institute of Human Genetics, Univ. Regensburg, Univ. Regensburg).

NM_172364.5(CACNA2D4):c.2552-1G>A

Gene: CACNA2D4 (calcium voltage-gated channel auxiliary subunit alpha2delta 4; minus strand). Cytogenetic location: 12p13.33.
Variant type: single nucleotide variant.
Coding change: c.2552-1G>A on transcript NM_172364.5 (MANE Select); the canonical splice acceptor site of the intron before coding-DNA position 2552, G replaced by A.
Molecular consequence: splice acceptor variant.
Genome position (GRCh38, 1-based): chr12:1,811,724, C>T on the plus strand (G>A on the coding strand, the complement: CACNA2D4 is on the minus strand). VCF-style: chr12-1811724-C-T. GRCh37 (hg19) VCF-style: chr12-1920890-C-T.
Identifiers: ClinVar variation 1039578 (VCV001039578.34), dbSNP rs920314861, ClinGen allele CA231531002.